The following is an entry in ClinVar:

NM_000083.3(CLCN1):c.812G>A (p.Cys271Tyr)

Gene: CLCN1 (chloride voltage-gated channel 1; plus strand). Cytogenetic location: 7q34.
Variant type: single nucleotide variant.
Coding change: c.812G>A on transcript NM_000083.3 (MANE Select); coding-DNA position 812, G replaced by A.
Protein change: p.Cys271Tyr; replaces cysteine 271 with tyrosine.
Molecular consequence: missense variant. On other transcripts: non-coding transcript variant (1).
Genome position (GRCh38, 1-based): chr7:143,324,451, G>A. VCF-style: chr7-143324451-G-A. GRCh37 (hg19) VCF-style: chr7-143021544-G-A.
Other names: short protein forms C271Y.
Identifiers: ClinVar variation 658183 (VCV000658183.11), dbSNP rs1475869303, ClinGen allele CA369687541.

ClinVar aggregate classification (germline): Conflicting classifications of pathogenicity. Review status: criteria provided, conflicting classifications (1 of 4 stars). 2 submissions from 2 submitters: Likely pathogenic (1); Uncertain significance (1). Last evaluated 2025-08-02.

Conditions:
Congenital myotonia, autosomal dominant form (THD). Also called: THOMSEN DISEASE; Myotonia congenita autosomal dominant. Identifiers: Orphanet 614, MedGen C2936781, MONDO:0008055, OMIM 160800.
Congenital myotonia, autosomal recessive form. Also called: BECKER DISEASE; Becker Generalized Myotonia; myotonia congenita, autosomal recessive. Identifiers: Orphanet 614, MedGen C0751360, MONDO:0009715, OMIM 255700.
Inborn genetic diseases. Identifiers: MedGen C0950123, MeSH D030342.

Allele frequency attached by ClinVar (database versions not stated): gnomAD 0.00001.
gnomAD v4.1: 10 of 1,613,868 alleles (0.00062%); highest among the groups gnomAD compares: African/African-American, 0.0013%; no homozygotes.

Submissions (2):

Ambry Genetics
Classification: Uncertain significance for Inborn genetic diseases. Last evaluated: 2025-08-02. Review status: criteria provided, single submitter. Criteria: Ambry Variant Classification Scheme 2023. Collection method: clinical testing. Allele origin: germline.

Labcorp Genetics (formerly Invitae), Labcorp
Classification: Likely pathogenic for Congenital myotonia, autosomal recessive form; Congenital myotonia, autosomal dominant form. Last evaluated: 2023-08-09. Review status: criteria provided, single submitter. Criteria: Invitae Variant Classification Sherloc (09022015). Collection method: clinical testing. Allele origin: germline.
Comment: This variant is present in population databases (no rsID available, gnomAD 0.01%). In summary, the currently available evidence indicates that the variant is pathogenic, but additional data are needed to prove that conclusively. Therefore, this variant has been classified as Likely Pathogenic. Advanced modeling of protein sequence and biophysical properties (such as structural, functional, and spatial information, amino acid conservation, physicochemical variation, residue mobility, and thermodynamic stability) performed at Invitae indicates that this missense variant is expected to disrupt CLCN1 protein function. ClinVar contains an entry for this variant (Variation ID: 658183). This missense change has been observed in individual(s) with clinical features of autosomal recessive CLCN1-related conditions (Invitae). In at least one individual the data is consistent with being in trans (on the opposite chromosome) from a pathogenic variant. This sequence change replaces cysteine, which is neutral and slightly polar, with tyrosine, which is neutral and polar, at codon 271 of the CLCN1 protein (p.Cys271Tyr).